The following is an entry in ClinVar:

NM_002769.5(PRSS1):c.391G>A (p.Ala131Thr)

Genes: PRSS1 (serine protease 1; plus strand), TRB (T cell receptor beta locus; plus strand). Cytogenetic location: 7q34.
Variant type: single nucleotide variant.
Coding change: c.391G>A on transcript NM_002769.5 (MANE Select); coding-DNA position 391, G replaced by A.
Protein change: p.Ala131Thr; replaces alanine 131 with threonine.
Molecular consequence: missense variant.
Genome position (GRCh38, 1-based): chr7:142,751,964, G>A. VCF-style: chr7-142751964-G-A. GRCh37 (hg19) VCF-style: chr7-142459815-G-A.
Other names: short protein forms A131T.
Identifiers: ClinVar variation 1002983 (VCV001002983.12), dbSNP rs141011596, ClinGen allele CA4529944.

ClinVar aggregate classification (germline): Uncertain significance. Review status: criteria provided, multiple submitters, no conflicts (2 of 4 stars). 3 submissions from 3 submitters: Uncertain significance (3). Last evaluated 2025-10-24.

Conditions:
Hereditary pancreatitis (PCTT). Also called: Hereditary chronic pancreatitis; PRSS1-Related Hereditary Pancreatitis. Identifiers: Orphanet 676, MedGen C0238339, MONDO:0008185, OMIM 167800.

Allele frequency attached by ClinVar (database versions not stated): TOPMed 0.00003; 1000 Genomes Project 0.00020; 1000 Genomes Project 30x 0.00031.
gnomAD v4.1: 33 of 1,613,776 alleles (0.002%); highest among the groups gnomAD compares: Admixed American, 0.01%; no homozygotes.

Submissions (3):

Ambry Genetics
Classification: Uncertain significance for Hereditary pancreatitis. Last evaluated: 2025-10-24. Review status: criteria provided, single submitter. Criteria: Ambry Variant Classification Scheme 2023. Collection method: clinical testing. Allele origin: germline.

Labcorp Genetics (formerly Invitae), Labcorp
Classification: Uncertain significance for Hereditary pancreatitis. Last evaluated: 2023-08-03. Review status: criteria provided, single submitter. Criteria: Invitae Variant Classification Sherloc (09022015). Collection method: clinical testing. Allele origin: germline.
Comment: In summary, the available evidence is currently insufficient to determine the role of this variant in disease. Therefore, it has been classified as a Variant of Uncertain Significance. Advanced modeling of protein sequence and biophysical properties (such as structural, functional, and spatial information, amino acid conservation, physicochemical variation, residue mobility, and thermodynamic stability) performed at Invitae indicates that this missense variant is not expected to disrupt PRSS1 protein function. ClinVar contains an entry for this variant (Variation ID: 1002983). This variant has not been reported in the literature in individuals affected with PRSS1-related conditions. The frequency data for this variant in the population databases is considered unreliable, as metrics indicate poor data quality at this position in the gnomAD database. This sequence change replaces alanine, which is neutral and non-polar, with threonine, which is neutral and polar, at codon 131 of the PRSS1 protein (p.Ala131Thr).

Breakthrough Genomics
Classification: Uncertain significance. Review status: criteria provided, single submitter. Criteria: ACMG Guidelines, 2015. Collection method: not provided. Allele origin: germline. Inheritance: Autosomal recessive inheritance. Affected: yes.